The following is an entry in ClinVar:

ClinVar aggregate classification (germline): Uncertain significance (1 of 4 stars; one submission).

gnomAD v4.1: 3 of 1,611,822 alleles (0.00019%); highest among the groups gnomAD compares: Non-Finnish European, 0.00025%; no homozygotes.

Submission:

Labcorp Genetics (formerly Invitae), Labcorp
Classification: Uncertain significance. Last evaluated: 2025-11-24. Review status: criteria provided, single submitter. Criteria: Invitae Variant Classification Sherloc (09022015). Collection method: clinical testing. Allele origin: germline.
Comment: This sequence change replaces proline, which is neutral and non-polar, with serine, which is neutral and polar, at codon 569 of the BRD4 protein (p.Pro569Ser). This variant is not present in population databases (gnomAD no frequency). This variant has not been reported in the literature in individuals affected with BRD4-related conditions. Invitae Evidence Modeling of protein sequence and biophysical properties (such as structural, functional, and spatial information, amino acid conservation, physicochemical variation, residue mobility, and thermodynamic stability) indicates that this missense variant is not expected to disrupt BRD4 protein function with a negative predictive value of 80%. In summary, the available evidence is currently insufficient to determine the role of this variant in disease. Therefore, it has been classified as a Variant of Uncertain Significance.

NM_001379291.1(BRD4):c.1705C>T (p.Pro569Ser)

Gene: BRD4 (bromodomain containing 4; minus strand). Cytogenetic location: 19p13.12.
Variant type: single nucleotide variant.
Coding change: c.1705C>T on transcript NM_001379291.1 (MANE Select); coding-DNA position 1705, C replaced by T.
Protein change: p.Pro569Ser; replaces proline 569 with serine.
Molecular consequence: missense variant.
Genome position (GRCh38, 1-based): chr19:15,256,110, G>A on the plus strand (C>T on the coding strand, the complement: BRD4 is on the minus strand). VCF-style: chr19-15256110-G-A. GRCh37 (hg19) VCF-style: chr19-15366921-G-A.
Other names: c.1705C>T, p.Pro569Ser (NM_001330384.2, NM_001379292.1, NM_014299.3 and 1 more transcripts); short protein forms P569S.
Identifiers: ClinVar variation 4746071 (VCV004746071.1).